The following is an entry in ClinVar:

NM_007194.4(CHEK2):c.908+2T>A

Gene: CHEK2 (checkpoint kinase 2; minus strand). Cytogenetic location: 22q12.1.
Variant type: single nucleotide variant.
Coding change: c.908+2T>A on transcript NM_007194.4 (MANE Select); the canonical splice donor site of the intron after coding-DNA position 908, T replaced by A.
Molecular consequence: splice donor variant.
Genome position (GRCh38, 1-based): chr22:28,703,503, A>T on the plus strand (T>A on the coding strand, the complement: CHEK2 is on the minus strand). VCF-style: chr22-28703503-A-T. GRCh37 (hg19) VCF-style: chr22-29099491-A-T.
Other names: c.245+2T>A (NM_001437942.1, NM_001257387.3); c.707+2T>A (NM_001349956.3); c.908+2T>A (NM_145862.3); c.1001+2T>A (NM_001438295.1, NM_001438293.1); c.1037+2T>A (NM_001438294.1, NM_001005735.3).
Identifiers: ClinVar variation 923866 (VCV000923866.5), dbSNP rs1601752066, ClinGen allele CA411100866.

ClinVar aggregate classification (germline): Likely pathogenic. Review status: criteria provided, multiple submitters, no conflicts (2 of 4 stars). 2 submissions from 2 submitters: Likely pathogenic (2). Last evaluated 2023-06-27.

Conditions:
Familial cancer of breast. Also called: BREAST CANCER, FAMILIAL; hereditary breast carcinoma; Hereditary breast cancer. Identifiers: Orphanet 227535, MedGen C0346153, MONDO:0016419, OMIM 114480. Disease mechanism: loss of function.
Hereditary cancer-predisposing syndrome. Also called: Neoplastic Syndromes, Hereditary; Tumor predisposition; Hereditary Cancer Syndrome; Hereditary neoplastic syndrome. Identifiers: Orphanet 140162, MedGen C0027672, MeSH D009386, MONDO:0015356.

Submissions (2):

Myriad Genetics, Inc.
Classification: Likely pathogenic for Familial cancer of breast. Last evaluated: 2023-06-27. Review status: criteria provided, single submitter. Criteria: Myriad Autosomal Dominant, Autosomal Recessive and X-Linked Classification Criteria (2023). Collection method: clinical testing. Allele origin: unknown.
Comment: This variant is considered likely pathogenic. This variant occurs within a consensus splice junction and is predicted to result in abnormal mRNA splicing of either an out-of-frame exon or an in-frame exon necessary for protein stability and/or normal function.

Color Diagnostics, LLC DBA Color Health
Classification: Likely pathogenic for Hereditary cancer-predisposing syndrome. Last evaluated: 2020-09-22. Review status: criteria provided, single submitter. Criteria: ACMG Guidelines, 2015. Collection method: clinical testing. Allele origin: germline.
Comment: This variant causes a T to A nucleotide substitution at the +2 position of intron 8 of the CHEK2 gene. Splice site prediction tools predict that this variant may have a significant impact on RNA splicing. To our knowledge, functional studies have not been reported for this variant. This variant has been reported in an individual affected with breast cancer (PMID: 31742824). This variant has not been identified in the general population by the Genome Aggregation Database (gnomAD). Loss of CHEK2 function is a known mechanism of disease. Based on the available evidence, this variant is classified as Likely Pathogenic.